The following is an entry in ClinVar:

NM_001042492.3(NF1):c.4578G>A (p.Arg1526=)

Gene: NF1 (neurofibromin 1; plus strand). Cytogenetic location: 17q11.2.
Variant type: single nucleotide variant.
Coding change: c.4578G>A on transcript NM_001042492.3 (MANE Select); coding-DNA position 4578, G replaced by A.
Protein change: p.Arg1526=; no amino-acid change (arginine 1526 retained).
Molecular consequence: synonymous variant.
Genome position (GRCh38, 1-based): chr17:31,261,711, G>A. VCF-style: chr17-31261711-G-A. GRCh37 (hg19) VCF-style: chr17-29588729-G-A.
Other names: c.4515G>A, p.Arg1505= (NM_000267.4).
Identifiers: ClinVar variation 959080 (VCV000959080.10), dbSNP rs1356757316, ClinGen allele CA499233828.

ClinVar aggregate classification (germline): Uncertain significance. Review status: criteria provided, multiple submitters, no conflicts (2 of 4 stars). 2 submissions from 2 submitters: Uncertain significance (2). Last evaluated 2025-09-23.

Conditions:
Hereditary cancer-predisposing syndrome. Also called: Hereditary neoplastic syndrome; Tumor predisposition; Neoplastic Syndromes, Hereditary; Hereditary Cancer Syndrome. Identifiers: Orphanet 140162, MedGen C0027672, MeSH D009386, MONDO:0015356.
Cardiovascular phenotype. Identifiers: MedGen CN230736.
Neurofibromatosis, type 1 (NF1). Also called: Peripheral type neurofibromatosis; VON RECKLINGHAUSEN DISEASE; NEUROFIBROMATOSIS, TYPE I, SOMATIC; Neurofibromatosis, type I. Identifiers: Orphanet 636, MedGen C0027831, MONDO:0018975, OMIM 162200. Disease mechanism: loss of function.

Allele frequency attached by ClinVar (database versions not stated): TOPMed below 0.00001; gnomAD 0.00001.
gnomAD v4.1: 1 of 1,611,834 alleles (0.000062%); no homozygotes.

Submissions (2):

Ambry Genetics
Classification: Uncertain significance for Cardiovascular phenotype; Hereditary cancer-predisposing syndrome. Last evaluated: 2025-09-23. Review status: criteria provided, single submitter. Criteria: Ambry Variant Classification Scheme 2023. Collection method: clinical testing. Allele origin: germline.
Comment: The c.4515G>A variant (also known as p.R1505R), located in coding exon 34 of the NF1 gene, results from a G to A substitution at nucleotide position 4515. This variant impacts the first base pair of coding exon 34.This nucleotide substitution does not change the amino acid at codon 1505. This nucleotide position is well conserved in available vertebrate species. In silico splice site analysis predicts that this alteration may weaken the native splice acceptor site; however, direct evidence is insufficient at this time (Ambry internal data). Since supporting evidence is limited at this time, the clinical significance of this alteration remains unclear.

Labcorp Genetics (formerly Invitae), Labcorp
Classification: Uncertain significance for Neurofibromatosis, type 1. Last evaluated: 2023-09-29. Review status: criteria provided, single submitter. Criteria: Invitae Variant Classification Sherloc (09022015). Collection method: clinical testing. Allele origin: germline.
Comment: In summary, the available evidence is currently insufficient to determine the role of this variant in disease. Therefore, it has been classified as a Variant of Uncertain Significance. This sequence change affects codon 1505 of the NF1 mRNA. It is a 'silent' change, meaning that it does not change the encoded amino acid sequence of the NF1 protein. RNA analysis indicates that this variant induces altered splicing and may result in an absent or disrupted protein product. This variant is not present in population databases (gnomAD no frequency). This variant has not been reported in the literature in individuals affected with NF1-related conditions. ClinVar contains an entry for this variant (Variation ID: 959080). Studies have shown this variant is associated with activation of a cryptic splice site, but one or more of the resulting mRNA isoform(s) may be naturally occurring (Invitae).